The following is an entry in ClinVar:

NM_006440.5(TXNRD2):c.839C>T (p.Ala280Val)

Gene: TXNRD2 (thioredoxin reductase 2; minus strand). Cytogenetic location: 22q11.21.
Variant type: single nucleotide variant.
Coding change: c.839C>T on transcript NM_006440.5 (MANE Select); coding-DNA position 839, C replaced by T.
Protein change: p.Ala280Val; replaces alanine 280 with valine.
Molecular consequence: missense variant. On other transcripts: non-coding transcript variant (1).
Genome position (GRCh38, 1-based): chr22:19,895,517, G>A on the plus strand (C>T on the coding strand, the complement: TXNRD2 is on the minus strand). VCF-style: chr22-19895517-G-A. GRCh37 (hg19) VCF-style: chr22-19883040-G-A.
Other names: c.839C>T, p.Ala280Val (NM_001282512.3); c.836C>T, p.Ala279Val (NM_001352300.2); c.749C>T, p.Ala250Val (NM_001352301.2); c.551C>T, p.Ala184Val (NM_001352302.2); c.743C>T, p.Ala248Val (NM_001352303.2); c.839C>T (NM_006440.3); short protein forms A184V, A279V, A248V, A280V, A250V.
Identifiers: ClinVar variation 1355059 (VCV001355059.9), dbSNP rs2145970224, ClinGen allele CA410686655.

ClinVar aggregate classification (germline): Uncertain significance. Review status: criteria provided, multiple submitters, no conflicts (2 of 4 stars). 2 submissions from 2 submitters: Uncertain significance (2). Last evaluated 2025-12-04.

Conditions:
Cardiovascular phenotype. Identifiers: MedGen CN230736.
Primary dilated cardiomyopathy (DCM). Also called: Dilated Cardiomyopathy. Identifiers: Orphanet 217604, MedGen C0007193, MeSH D002311, MONDO:0005021, HP:0001644. Inheritance: Various modes of inheritance.

Submissions (2):

Ambry Genetics
Classification: Uncertain significance for Cardiovascular phenotype. Last evaluated: 2025-12-04. Review status: criteria provided, single submitter. Criteria: Ambry Variant Classification Scheme 2023. Collection method: clinical testing. Allele origin: germline.

Labcorp Genetics (formerly Invitae), Labcorp
Classification: Uncertain significance for Primary dilated cardiomyopathy. Last evaluated: 2022-07-05. Review status: criteria provided, single submitter. Criteria: Invitae Variant Classification Sherloc (09022015). Collection method: clinical testing. Allele origin: germline.
Comment: This sequence change replaces alanine, which is neutral and non-polar, with valine, which is neutral and non-polar, at codon 280 of the TXNRD2 protein (p.Ala280Val). In summary, the available evidence is currently insufficient to determine the role of this variant in disease. Therefore, it has been classified as a Variant of Uncertain Significance. Algorithms developed to predict the effect of missense changes on protein structure and function (SIFT, PolyPhen-2, Align-GVGD) all suggest that this variant is likely to be tolerated. ClinVar contains an entry for this variant (Variation ID: 1355059). This variant has not been reported in the literature in individuals affected with TXNRD2-related conditions. This variant is not present in population databases (gnomAD no frequency).